The following is an entry in ClinVar:

ClinVar aggregate classification (germline): Pathogenic (1 of 4 stars; one submission).

Conditions:
Familial adenomatous polyposis 1 (FAP1). Also called: POLYPOSIS, ADENOMATOUS INTESTINAL; FAMILIAL ADENOMATOUS POLYPOSIS 1, ATTENUATED. Identifiers: MedGen C2713442, MONDO:0021056, OMIM 175100. Disease mechanism: loss of function.

Submission:

Labcorp Genetics (formerly Invitae), Labcorp
Classification: Pathogenic for Familial adenomatous polyposis 1. Last evaluated: 2019-05-20. Review status: criteria provided, single submitter. Criteria: Invitae Variant Classification Sherloc (09022015). Collection method: clinical testing. Allele origin: germline.
Comment: For these reasons, this variant has been classified as Pathogenic. This sequence change creates a premature translational stop signal (p.Gly323Trpfs*4) in the APC gene. It is expected to result in an absent or disrupted protein product. This variant is not present in population databases (ExAC no frequency). This variant has not been reported in the literature in individuals with APC-related conditions. Loss-of-function variants in APC are known to be pathogenic (PMID: 17963004, 20685668).

Literature cited by the submitters: PubMed 17963004; PubMed 20685668.

NM_000038.6(APC):c.966dup (p.Gly323fs)

Gene: APC (APC regulator of Wnt signaling pathway; plus strand). Cytogenetic location: 5q22.2.
Variant type: Duplication.
Coding change: c.966dup on transcript NM_000038.6 (MANE Select); coding-DNA position 966, one base duplicated (T; older notation c.966dupT).
Protein change: p.Gly323fs; shifts the reading frame from glycine 323.
Molecular consequence: frameshift variant. On other transcripts: intron variant (4).
Genome position (GRCh38, 1-based): chr5:112,818,998, T duplicated; the last of 2 consecutive T bases (chr5:112,818,997-112,818,998); duplicating either gives the same sequence. VCF-style (leftmost placement, unchanged base first): chr5-112818996-C-CT. GRCh37 (hg19) VCF-style: chr5-112154693-C-CT.
Other names: c.757-271dup (NM_001354905.2); c.966dup, p.Gly323fs (NM_001127510.3, NM_001354895.2, NM_001354896.2); c.912dup, p.Gly305fs (NM_001127511.3); c.996dup, p.Gly333fs (NM_001354897.2); c.891dup, p.Gly298fs (NM_001354898.2); c.882dup, p.Gly295fs (NM_001354899.2); c.789dup, p.Gly264fs (NM_001354900.2, NM_001354901.2); c.117dup, p.Gly40fs (NM_001354906.2); and 3 more; short protein forms G333fs, G295fs, G305fs, G40fs, G264fs, G298fs, G323fs.
Identifiers: ClinVar variation 951398 (VCV000951398.9), dbSNP rs1762807087, ClinGen allele CA1139658982.
Genomic context (GRCh38, chr5:112,818,996, plus strand): 5'-ATTTTGTTTCTAAACTCATTTGGCCCACAGGTGGAAATGGTGTATTCATTGTTGTCAATG[C>CT]TTGGTACTCATGATAAGGATGATATGTCGCGAACTTTGCTAGCTATGTCTAGCTCCCAAG-3'